The following is an entry in ClinVar:

ClinVar aggregate classification (germline): Uncertain significance (1 of 4 stars; one submission).

Conditions:
Multiple congenital exostosis (EXT). Also called: Multiple exostoses; MULTIPLE CARTILAGINOUS EXOSTOSES; Hereditary multiple osteochondromas; Hereditary multiple exostoses; Hereditary multiple exostosis; Multiple osteochondromas. Identifiers: Orphanet 321, MedGen C0015306, MONDO:0005508, HP:0002762.

gnomAD v4.1: 2 of 1,614,208 alleles (0.00012%); highest among the groups gnomAD compares: Non-Finnish European, 0.000085%; no homozygotes.

Submission:

Labcorp Genetics (formerly Invitae), Labcorp
Classification: Uncertain significance for Multiple congenital exostosis. Last evaluated: 2024-11-03. Review status: criteria provided, single submitter. Criteria: Invitae Variant Classification Sherloc (09022015). Collection method: clinical testing. Allele origin: germline.
Comment: This sequence change replaces leucine, which is neutral and non-polar, with valine, which is neutral and non-polar, at codon 236 of the EXT1 protein (p.Leu236Val). This variant is present in population databases (no rsID available, gnomAD 0.0009%). This variant has not been reported in the literature in individuals affected with EXT1-related conditions. Invitae Evidence Modeling of protein sequence and biophysical properties (such as structural, functional, and spatial information, amino acid conservation, physicochemical variation, residue mobility, and thermodynamic stability) indicates that this missense variant is expected to disrupt EXT1 protein function with a positive predictive value of 80%. In summary, the available evidence is currently insufficient to determine the role of this variant in disease. Therefore, it has been classified as a Variant of Uncertain Significance.

NM_000127.3(EXT1):c.706C>G (p.Leu236Val)

Gene: EXT1 (exostosin glycosyltransferase 1; minus strand). Cytogenetic location: 8q24.11.
Variant type: single nucleotide variant.
Coding change: c.706C>G on transcript NM_000127.3 (MANE Select); coding-DNA position 706, C replaced by G.
Protein change: p.Leu236Val; replaces leucine 236 with valine.
Molecular consequence: missense variant.
Genome position (GRCh38, 1-based): chr8:118,110,341, G>C on the plus strand (C>G on the coding strand, the complement: EXT1 is on the minus strand). VCF-style: chr8-118110341-G-C. GRCh37 (hg19) VCF-style: chr8-119122580-G-C.
Other names: short protein forms L236V.
Identifiers: ClinVar variation 3689319 (VCV003689319.2).